The following is an entry in ClinVar:

NM_201253.3(CRB1):c.276G>C (p.Arg92Ser)

Gene: CRB1 (crumbs cell polarity complex component 1; plus strand). Cytogenetic location: 1q31.3.
Variant type: single nucleotide variant.
Coding change: c.276G>C on transcript NM_201253.3 (MANE Select); coding-DNA position 276, G replaced by C.
Protein change: p.Arg92Ser; replaces arginine 92 with serine.
Molecular consequence: missense variant. On other transcripts: non-coding transcript variant (2).
Genome position (GRCh38, 1-based): chr1:197,328,627, G>C. VCF-style: chr1-197328627-G-C. GRCh37 (hg19) VCF-style: chr1-197297757-G-C.
Other names: c.276G>C (NM_201253.2); c.276G>C, p.Arg92Ser (NM_001193640.2, NM_001257966.2); c.69G>C, p.Arg23Ser (NM_001257965.2); short protein forms R23S, R92S.
Identifiers: ClinVar variation 1205922 (VCV001205922.11), dbSNP rs751678963, ClinGen allele CA1311605.
Genomic context (GRCh38, chr1:197,328,627, plus strand): 5'-CCCTTGCTTCTCCAATCCCTGTCAAGGAAGTGCCACTTGTGTGAACACCCCAGGAGAAAG[G>C]AGCTTTCTGTGCAAATGTCCTCCTGGGTACAGTGGGACAATCTGTGAAACTACCATTGGT-3'
Protein context (NP_957705.1, residues 82-102): SATCVNTPGE[Arg92Ser]SFLCKCPPGY

ClinVar aggregate classification (germline): Uncertain significance. Review status: criteria provided, multiple submitters, no conflicts (2 of 4 stars). 5 submissions from 5 submitters: Uncertain significance (3). 2 of the submissions do not count toward it. Last evaluated 2025-05-07.

Conditions:
CRB1-related disorder. Also called: CRB1-related condition; CRB1-related disorders.
Retinitis pigmentosa 12 (RP12). Also called: RP WITH OR WITHOUT PPRPE; RP WITH OR WITHOUT PRESERVED PARAARTERIOLE RETINAL PIGMENT EPITHELIUM; RETINITIS PIGMENTOSA WITH OR WITHOUT PARAARTERIOLAR PRESERVATION OF RETINAL PIGMENT EPITHELIUM. Identifiers: Orphanet 791, MedGen C1838647, MONDO:0010818, OMIM 600105.
Leber congenital amaurosis 8 (LCA8). Identifiers: Orphanet 65, MedGen C3151202, MONDO:0013453, OMIM 613835.

Allele frequency attached by ClinVar (database versions not stated): gnomAD exomes below 0.00001 and 0.00001; ExAC 0.00001; gnomAD 0.00001.
gnomAD v4.1: 19 of 1,614,190 alleles (0.0012%); highest among the groups gnomAD compares: African/African-American, 0.015%; no homozygotes.

Submissions (5):

PreventionGenetics, part of Exact Sciences
Classification: Uncertain significance for CRB1-related condition. Last evaluated: 2025-05-07. Review status: criteria provided, single submitter. Criteria: ACMG Guidelines, 2015. Collection method: clinical testing. Allele origin: germline.
Comment: The CRB1 c.276G>C variant is predicted to result in the amino acid substitution p.Arg92Ser. To our knowledge, this variant has not been reported in the literature. This variant is reported in 0.00088% of alleles in individuals of European (Non-Finnish) descent in gnomAD. At this time, the clinical significance of this variant is uncertain due to the absence of conclusive functional and genetic evidence.

Labcorp Genetics (formerly Invitae), Labcorp
Classification: Uncertain significance for Leber congenital amaurosis 8; Retinitis pigmentosa 12. Last evaluated: 2024-06-30. Review status: criteria provided, single submitter. Criteria: Invitae Variant Classification Sherloc (09022015). Collection method: clinical testing. Allele origin: germline.
Comment: This sequence change replaces arginine, which is basic and polar, with serine, which is neutral and polar, at codon 92 of the CRB1 protein (p.Arg92Ser). This variant is present in population databases (rs751678963, gnomAD 0.0009%). This variant has not been reported in the literature in individuals affected with CRB1-related conditions. ClinVar contains an entry for this variant (Variation ID: 1205922). Advanced modeling of protein sequence and biophysical properties (such as structural, functional, and spatial information, amino acid conservation, physicochemical variation, residue mobility, and thermodynamic stability) has been performed at Invitae for this missense variant, however the output from this modeling did not meet the statistical confidence thresholds required to predict the impact of this variant on CRB1 protein function. In summary, the available evidence is currently insufficient to determine the role of this variant in disease. Therefore, it has been classified as a Variant of Uncertain Significance.

Blueprint Genetics
Classification: Uncertain significance. Last evaluated: 2024-06-26. Review status: criteria provided, single submitter. Criteria: ACMG Guidelines, 2015. Collection method: clinical testing. Allele origin: germline.

Clinical Genetics DNA and cytogenetics Diagnostics Lab, Erasmus MC, Erasmus Medical Center
Classification: Likely benign. Review status: no assertion criteria provided. Collection method: clinical testing. Allele origin: germline. Affected: yes. Study: VKGL Data-share Consensus. Not counted in ClinVar's aggregate classification.

Laboratory of Diagnostic Genome Analysis, Leiden University Medical Center (LUMC)
Classification: Likely benign. Review status: no assertion criteria provided. Collection method: clinical testing. Allele origin: germline. Affected: yes. Study: VKGL Data-share Consensus. Not counted in ClinVar's aggregate classification.